The following is an entry in ClinVar:

NM_003072.5(SMARCA4):c.3986G>A (p.Arg1329His)

Gene: SMARCA4 (SWI/SNF related BAF chromatin remodeling complex subunit ATPase 4; plus strand). Cytogenetic location: 19p13.2.
Variant type: single nucleotide variant.
Coding change: c.3986G>A on transcript NM_003072.5 (MANE Select); coding-DNA position 3986, G replaced by A.
Protein change: p.Arg1329His; replaces arginine 1329 with histidine.
Molecular consequence: missense variant. On other transcripts: non-coding transcript variant (1).
Genome position (GRCh38, 1-based): chr19:11,034,948, G>A. VCF-style: chr19-11034948-G-A. GRCh37 (hg19) VCF-style: chr19-11145624-G-A.
Other names: c.3986G>A, p.Arg1329His (NM_001128844.3, NM_001128849.3, NM_001387283.1); c.3887G>A, p.Arg1296His (NM_001128845.2, NM_001128846.2, NM_001128847.4 and 2 more transcripts); c.3986G>A (NM_001128849.2); short protein forms R1329H, R1296H.
Identifiers: ClinVar variation 484841 (VCV000484841.26), dbSNP rs1555785361, ClinGen allele CA404068054.

ClinVar aggregate classification (germline): Uncertain significance. Review status: criteria provided, multiple submitters, no conflicts (2 of 4 stars). 7 submissions from 7 submitters: Uncertain significance (6). 1 of the submissions does not count toward it. Last evaluated 2025-11-20.

Conditions:
Hereditary cancer-predisposing syndrome. Also called: Tumor predisposition; Hereditary neoplastic syndrome; Neoplastic Syndromes, Hereditary; Hereditary Cancer Syndrome. Identifiers: Orphanet 140162, MedGen C0027672, MeSH D009386, MONDO:0015356.
Seizure. Also called: Seizures. Identifiers: MedGen C0036572, HP:0001250.
Intellectual disability, autosomal dominant 16 (CSS4). Also called: COFFIN-SIRIS SYNDROME 4. Identifiers: Orphanet 1465, MedGen C3553249, MONDO:0013821, OMIM 614609.
Rhabdoid tumor predisposition syndrome 2 (RTPS2). Identifiers: Orphanet 231108, Orphanet 69077, MedGen C2750074, MONDO:0013224, OMIM 613325.

Allele frequency attached by ClinVar (database versions not stated): gnomAD exomes below 0.00001.
gnomAD v4.1: 4 of 1,588,634 alleles (0.00025%); highest among the groups gnomAD compares: Non-Finnish European, 0.00034%; no homozygotes.

Submissions (7):

Labcorp Genetics (formerly Invitae), Labcorp
Classification: Uncertain significance for Rhabdoid tumor predisposition syndrome 2. Last evaluated: 2025-11-20. Review status: criteria provided, single submitter. Criteria: Invitae Variant Classification Sherloc (09022015). Collection method: clinical testing. Allele origin: germline.
Comment: This sequence change replaces arginine, which is basic and polar, with histidine, which is basic and polar, at codon 1329 of the SMARCA4 protein (p.Arg1329His). This variant is not present in population databases (gnomAD no frequency). This missense change has been observed in individual(s) with SMARCA4-related conditions (PMID: 37500730). ClinVar contains an entry for this variant (Variation ID: 484841). Invitae Evidence Modeling of protein sequence and biophysical properties (such as structural, functional, and spatial information, amino acid conservation, physicochemical variation, residue mobility, and thermodynamic stability) has been performed for this missense variant. However, the output from this modeling did not meet the statistical confidence thresholds required to predict the impact of this variant on SMARCA4 protein function. In summary, the available evidence is currently insufficient to determine the role of this variant in disease. Therefore, it has been classified as a Variant of Uncertain Significance.

St. Jude Molecular Pathology, St. Jude Children's Research Hospital
Classification: Uncertain significance for Rhabdoid tumor predisposition syndrome 2. Last evaluated: 2025-06-17. Review status: criteria provided, single submitter. Criteria: St. Jude Assertion Criteria 2020. Collection method: clinical testing. Allele origin: germline.
Comment: The SMARCA4 c.3986G>A p.(Arg1329His) missense change is absent in gnomAD v2.1.1. The in silico tool REVEL is inconclusive about a pathogenic or benign effect of this variant on protein function, and to our knowledge functional studies have not been performed. To our knowledge, this variant has not been reported in individuals with rhabdoid tumor predisposition syndrome. In summary, the evidence currently available is insufficient to determine the clinical significance of this variant. It has therefore been classified as of uncertain significance.

Ambry Genetics
Classification: Uncertain significance for Hereditary cancer-predisposing syndrome. Last evaluated: 2025-05-22. Review status: criteria provided, single submitter. Criteria: Ambry Variant Classification Scheme 2023. Collection method: clinical testing. Allele origin: germline.
Comment: The p.R1329H variant (also known as c.3986G>A), located in coding exon 28 of the SMARCA4 gene, results from a G to A substitution at nucleotide position 3986. The arginine at codon 1329 is replaced by histidine, an amino acid with highly similar properties. This amino acid position is highly conserved in available vertebrate species. In addition, the in silico prediction for this alteration is inconclusive. Based on the available evidence, the clinical significance of this variant remains unclear.

GeneDx
Classification: Uncertain significance. Last evaluated: 2024-10-01. Review status: criteria provided, single submitter. Criteria: GeneDx Variant Classification Process June 2021. Collection method: clinical testing. Allele origin: germline.
Comment: Not observed at significant frequency in large population cohorts (gnomAD); In silico analysis supports that this missense variant has a deleterious effect on protein structure/function; This variant is associated with the following publications: (PMID: 33847457, 37500730)

Quest Diagnostics Nichols Institute San Juan Capistrano
Classification: Uncertain significance. Last evaluated: 2024-03-29. Review status: criteria provided, single submitter. Criteria: Quest Diagnostics criteria. Collection method: clinical testing. Allele origin: unknown.
Comment: The SMARCA4 c.3986G>A (p.Arg1329His) variant has not been reported in individuals with SMARCA4-related conditions in the published literature. It also has not been reported in large, multi-ethnic general populations (Genome Aggregation Database). Analysis of this variant using bioinformatics tools for the prediction of the effect of amino acid changes on protein structure and function yielded conflicting predictions that this variant is deleterious or benign. Based on the available information, we are unable to determine the clinical significance of this variant.

Genome-Nilou Lab
Classification: Uncertain significance for Intellectual disability, autosomal dominant 16. Last evaluated: 2021-07-15. Review status: criteria provided, single submitter. Criteria: ACMG Guidelines, 2015. Collection method: clinical testing. Allele origin: germline. Affected: no.

Center for Molecular Medicine, Children’s Hospital of Fudan University
Classification: Likely pathogenic for Seizure. Last evaluated: 2020-02-25. Review status: no assertion criteria provided. Collection method: clinical testing. Allele origin: de novo. Affected: yes. Not counted in ClinVar's aggregate classification.

Literature cited by the submitters: PubMed 37500730 (cited by Labcorp Genetics (formerly Invitae), Labcorp).